The following is an entry in ClinVar:

ClinVar aggregate classification (germline): Uncertain significance (1 of 4 stars; one submission).

Submission:

Labcorp Genetics (formerly Invitae), Labcorp
Classification: Uncertain significance. Last evaluated: 2024-08-14. Review status: criteria provided, single submitter. Criteria: Invitae Variant Classification Sherloc (09022015). Collection method: clinical testing. Allele origin: germline.
Comment: This sequence change replaces valine, which is neutral and non-polar, with methionine, which is neutral and non-polar, at codon 117 of the APOA1 protein (p.Val117Met). This variant is not present in population databases (gnomAD no frequency). This variant has not been reported in the literature in individuals affected with APOA1-related conditions. Invitae Evidence Modeling of protein sequence and biophysical properties (such as structural, functional, and spatial information, amino acid conservation, physicochemical variation, residue mobility, and thermodynamic stability) indicates that this missense variant is not expected to disrupt APOA1 protein function with a negative predictive value of 80%. In summary, the available evidence is currently insufficient to determine the role of this variant in disease. Therefore, it has been classified as a Variant of Uncertain Significance.

NM_000039.3(APOA1):c.349G>A (p.Val117Met)

Genes: APOA1 (apolipoprotein A1; minus strand), APOA1-AS (APOA1 antisense RNA; plus strand). Cytogenetic location: 11q23.3.
Variant type: single nucleotide variant.
Coding change: c.349G>A on transcript NM_000039.3 (MANE Select); coding-DNA position 349, G replaced by A.
Protein change: p.Val117Met; replaces valine 117 with methionine.
Molecular consequence: missense variant.
Genome position (GRCh38, 1-based): chr11:116,836,263, C>T on the plus strand (G>A on the coding strand, the complement: APOA1 is on the minus strand). VCF-style: chr11-116836263-C-T. GRCh37 (hg19) VCF-style: chr11-116706979-C-T.
Other names: c.349G>A, p.Val117Met (NM_001318017.2, NM_001318018.2, NM_001425090.1 and 1 more transcripts); c.22G>A, p.Val8Met (NM_001318021.2, NM_001425091.1, NM_001425092.1); short protein forms V117M, V8M.
Identifiers: ClinVar variation 3677549 (VCV003677549.2).
Genomic context (GRCh38, chr11:116,836,263, plus strand): 5'-CCATCTCCTCCTGCCACTTCTTCTGGAAGTCGTCCAGGTAGGGCTGCACCTTGGCCTTCA[C>T]CTCCTCCAGATCCTTGCTCATCTCCTGCCTCAGGCCCTCTGTCTCCTTTTCCAGGTTATC-3'
Protein context (NP_000030.1, residues 107-127): RQEMSKDLEE[Val117Met]KAKVQPYLDD